The following is an entry in ClinVar:

ClinVar aggregate classification (germline): Uncertain significance. Review status: criteria provided, multiple submitters, no conflicts (2 of 4 stars). 2 submissions from 2 submitters: Uncertain significance (2). Last evaluated 2025-10-20.

gnomAD v4.1: 46 of 1,612,324 alleles (0.0029%); highest among the groups gnomAD compares: Admixed American, 0.012%; no homozygotes.

Submissions (2):

Labcorp Genetics (formerly Invitae), Labcorp
Classification: Uncertain significance. Last evaluated: 2025-10-20. Review status: criteria provided, single submitter. Criteria: Invitae Variant Classification Sherloc (09022015). Collection method: clinical testing. Allele origin: germline.
Comment: This sequence change replaces glycine, which is neutral and non-polar, with serine, which is neutral and polar, at codon 290 of the FGFRL1 protein (p.Gly290Ser). This variant is present in population databases (rs149112646, gnomAD 0.003%). This variant has not been reported in the literature in individuals affected with FGFRL1-related conditions. ClinVar contains an entry for this variant (Variation ID: 3850190). An algorithm developed to predict the effect of missense changes on protein structure and function outputs the following: PolyPhen-2: "Benign". The serine amino acid residue is found in multiple mammalian species, which suggests that this missense change does not adversely affect protein function. In summary, the available evidence is currently insufficient to determine the role of this variant in disease. Therefore, it has been classified as a Variant of Uncertain Significance.

Ambry Genetics
Classification: Uncertain significance. Last evaluated: 2024-12-11. Review status: criteria provided, single submitter. Criteria: Ambry Variant Classification Scheme 2023. Collection method: clinical testing. Allele origin: germline.

NM_001004356.3(FGFRL1):c.868G>A (p.Gly290Ser)

Gene: FGFRL1 (fibroblast growth factor receptor like 1; plus strand). Cytogenetic location: 4p16.3.
Variant type: single nucleotide variant.
Coding change: c.868G>A on transcript NM_001004356.3 (MANE Select); coding-DNA position 868, G replaced by A.
Protein change: p.Gly290Ser; replaces glycine 290 with serine.
Molecular consequence: missense variant.
Genome position (GRCh38, 1-based): chr4:1,024,460, G>A. VCF-style: chr4-1024460-G-A. GRCh37 (hg19) VCF-style: chr4-1018248-G-A.
Other names: c.868G>A, p.Gly290Ser (NM_001004358.1, NM_001370296.1, NM_021923.3); short protein forms G290S.
Identifiers: ClinVar variation 3850190 (VCV003850190.2).
Genomic context (GRCh38, chr4:1,024,460, plus strand): 5'-GTGCGCAGCGACGTGAAGCCGGTGATCCAGTGGCTGAAGCGCGTGGAGTACGGCGCCGAG[G>A]GCCGCCACAACTCCACCATCGATGTGGGCGGCCAGAAGTTTGTGGTGCTGCCCACGGGTG-3'
Protein context (NP_001004356.1, residues 280-300): WLKRVEYGAE[Gly290Ser]RHNSTIDVGG